The following is an entry in ClinVar:

ClinVar aggregate classification (germline): Pathogenic (1 of 4 stars; one submission).

Submission:

Labcorp Genetics (formerly Invitae), Labcorp
Classification: Pathogenic. Last evaluated: 2025-02-26. Review status: criteria provided, single submitter. Criteria: Invitae Variant Classification Sherloc (09022015). Collection method: clinical testing. Allele origin: germline.
Comment: This sequence change replaces cysteine, which is neutral and slightly polar, with glycine, which is neutral and non-polar, at codon 205 of the ABCA4 protein (p.Cys205Gly). This variant is not present in population databases (gnomAD no frequency). This missense change has been observed in individual(s) with autosomal recessive cone-rod dystrophy (PMID: 30902645, 35119454). In at least one individual the data is consistent with being in trans (on the opposite chromosome) from a pathogenic variant. ClinVar contains an entry for this variant (Variation ID: 2971409). Invitae Evidence Modeling of protein sequence and biophysical properties (such as structural, functional, and spatial information, amino acid conservation, physicochemical variation, residue mobility, and thermodynamic stability) indicates that this missense variant is expected to disrupt ABCA4 protein function with a positive predictive value of 95%. This variant disrupts the p.Cys205 amino acid residue in ABCA4. Other variant(s) that disrupt this residue have been determined to be pathogenic (internal data). This suggests that this residue is clinically significant, and that variants that disrupt this residue are likely to be disease-causing. For these reasons, this variant has been classified as Pathogenic.

Literature cited by the submitters: PubMed 30902645; PubMed 35119454.

NM_000350.3(ABCA4):c.613T>G (p.Cys205Gly)

Gene: ABCA4 (ATP binding cassette subfamily A member 4; minus strand). Cytogenetic location: 1p22.1.
Variant type: single nucleotide variant.
Coding change: c.613T>G on transcript NM_000350.3 (MANE Select); coding-DNA position 613, T replaced by G.
Protein change: p.Cys205Gly; replaces cysteine 205 with glycine.
Molecular consequence: missense variant.
Genome position (GRCh38, 1-based): chr1:94,098,949, A>C on the plus strand (T>G on the coding strand, the complement: ABCA4 is on the minus strand). VCF-style: chr1-94098949-A-C. GRCh37 (hg19) VCF-style: chr1-94564505-A-C.
Other names: c.613T>G, p.Cys205Gly (NM_001425324.1); short protein forms C205G.
Identifiers: ClinVar variation 2971409 (VCV002971409.3), dbSNP rs2523966504, ClinGen allele CA341289714.